The following is an entry in ClinVar:

ClinVar aggregate classification (germline): Likely benign (1 of 4 stars; one submission).

Allele frequency attached by ClinVar (database versions not stated): 1000 Genomes Project 0.00879; 1000 Genomes Project 30x 0.00921; gnomAD 0.00922 and 0.01005; TOPMed 0.01054.
gnomAD v4.1: 1,386 of 152,224 alleles (0.91%); highest among the groups gnomAD compares: African/African-American, 3.2%; 23 homozygotes.

Submission:

GeneDx
Classification: Likely benign. Last evaluated: 2018-06-19. Review status: criteria provided, single submitter. Criteria: GeneDx Variant Classification (06012015). Collection method: clinical testing. Allele origin: germline. Affected: yes.
Comment: This variant is considered likely benign or benign based on one or more of the following criteria: it is a conservative change, it occurs at a poorly conserved position in the protein, it is predicted to be benign by multiple in silico algorithms, and/or has population frequency not consistent with disease.

NM_006767.4(LZTR1):c.651+227A>G

Gene: LZTR1 (leucine zipper like post translational regulator 1; plus strand). Cytogenetic location: 22q11.21.
Variant type: single nucleotide variant.
Coding change: c.651+227A>G on transcript NM_006767.4 (MANE Select); 227 bases into the intron after coding-DNA position 651, A replaced by G.
Molecular consequence: intron variant.
Genome position (GRCh38, 1-based): chr22:20,989,909, A>G. VCF-style: chr22-20989909-A-G. GRCh37 (hg19) VCF-style: chr22-21344198-A-G.
Identifiers: ClinVar variation 561638 (VCV000561638.1), dbSNP rs114382769, ClinGen allele CA322325507.
Genomic context (GRCh38, chr22:20,989,909, plus strand): 5'-AAGCCCAGCCTCGACCTGAGCCTCGCTCTCCTCCCTGGTGACCTGCGGGCCTTCACGACC[A>G]GTTCCTCACTGTGGCTGCACAGTGATTCGAGGTTTGGTGCTTTGGATGGGCAGAGTGCCA-3'